The following is an entry in ClinVar:

NM_021728.4(OTX2):c.100C>T (p.Pro34Ser)

Gene: OTX2 (orthodenticle homeobox 2; minus strand). Cytogenetic location: 14q22.3.
Variant type: single nucleotide variant.
Coding change: c.100C>T on transcript NM_021728.4 (MANE Select); coding-DNA position 100, C replaced by T.
Protein change: p.Pro34Ser; replaces proline 34 with serine.
Molecular consequence: missense variant. On other transcripts: intron variant (3).
Genome position (GRCh38, 1-based): chr14:56,804,361, G>A on the plus strand (C>T on the coding strand, the complement: OTX2 is on the minus strand). VCF-style: chr14-56804361-G-A. GRCh37 (hg19) VCF-style: chr14-57271079-G-A.
Other names: c.100C>T, p.Pro34Ser (NM_001270525.2); c.98-22C>T (NM_001270523.2, NM_001270524.2, NM_172337.3); short protein forms P34S.
Identifiers: ClinVar variation 3350373 (VCV003350373.3).

ClinVar aggregate classification (germline): Conflicting classifications of pathogenicity. Review status: criteria provided, conflicting classifications (1 of 4 stars). 3 submissions from 3 submitters: Uncertain significance (1); Likely benign (1). 1 of the submissions does not count toward it. Last evaluated 2025-03-14.

Conditions:
OTX2-related disorder. Also called: OTX2-related disorders; OTX2-related condition.

Submissions (3):

Women's Health and Genetics/Laboratory Corporation of America, LabCorp
Classification: Likely benign. Last evaluated: 2025-03-14. Review status: criteria provided, single submitter. Criteria: LabCorp Variant Classification Summary - May 2015. Collection method: clinical testing. Allele origin: germline.

Blueprint Genetics
Classification: Uncertain significance. Last evaluated: 2024-01-29. Review status: criteria provided, single submitter. Criteria: ACMG Guidelines, 2015. Collection method: clinical testing. Allele origin: germline.

PreventionGenetics, part of Exact Sciences
Classification: Uncertain significance for OTX2-related condition. Last evaluated: 2024-08-07. Review status: no assertion criteria provided. Collection method: clinical testing. Allele origin: germline. Not counted in ClinVar's aggregate classification.
Comment: The OTX2 c.100C>T variant is predicted to result in the amino acid substitution p.Pro34Ser. To our knowledge, this variant has not been reported in the literature. This variant is reported in 0.011% of alleles in individuals of East Asian descent in gnomAD, which may be too common to be an undocumented cause of disease. Although we suspect that this variant may be benign, at this time, the clinical significance of this variant is uncertain due to the absence of conclusive functional and genetic evidence.